The following is an entry in ClinVar:

ClinVar aggregate classification (germline): Conflicting classifications of pathogenicity. Review status: criteria provided, conflicting classifications (1 of 4 stars). 2 submissions from 2 submitters: Uncertain significance (1); Benign (1). Last evaluated 2026-03-05.

Conditions:
EP300-related disorder. Also called: EP300-related disorders; EP300-related condition.
Rubinstein-Taybi syndrome due to EP300 haploinsufficiency. Also called: EP300-Related Rubinstein-Taybi Syndrome; RUBINSTEIN-TAYBI SYNDROME 2. Identifiers: Orphanet 353284, Orphanet 783, MedGen C3150941, MONDO:0013364, OMIM 613684.

gnomAD v4.1: 2 of 1,614,138 alleles (0.00012%); highest among the groups gnomAD compares: Admixed American, 0.0033%; no homozygotes.

Submissions (2):

PreventionGenetics, part of Exact Sciences
Classification: Uncertain significance for EP300-related condition. Last evaluated: 2026-03-05. Review status: criteria provided, single submitter. Criteria: ACMG Guidelines, 2015. Collection method: clinical testing. Allele origin: germline.
Comment: The EP300 c.80C>T variant is predicted to result in the amino acid substitution p.Ala27Val. To our knowledge, this variant has not been reported in the literature. This variant is reported in 0.0058% of alleles in individuals of Latino descent in gnomAD. At this time, the clinical significance of this variant is uncertain due to the absence of conclusive functional and genetic evidence.

Labcorp Genetics (formerly Invitae), Labcorp
Classification: Benign for Rubinstein-Taybi syndrome due to EP300 haploinsufficiency. Last evaluated: 2024-07-11. Review status: criteria provided, single submitter. Criteria: Invitae Variant Classification Sherloc (09022015). Collection method: clinical testing. Allele origin: germline.

NM_001429.4(EP300):c.80C>T (p.Ala27Val)

Genes: EP300 (EP300 lysine acetyltransferase; plus strand), LOC130067530 (ATAC-STARR-seq lymphoblastoid active region 19106; plus strand). Cytogenetic location: 22q13.2.
Variant type: single nucleotide variant.
Coding change: c.80C>T on transcript NM_001429.4 (MANE Select); coding-DNA position 80, C replaced by T.
Protein change: p.Ala27Val; replaces alanine 27 with valine.
Molecular consequence: missense variant.
Genome position (GRCh38, 1-based): chr22:41,093,084, C>T. VCF-style: chr22-41093084-C-T. GRCh37 (hg19) VCF-style: chr22-41489088-C-T.
Other names: c.80C>T, p.Ala27Val (NM_001362843.2); c.80C>T (NM_001429.3); short protein forms A27V.
Identifiers: ClinVar variation 3630372 (VCV003630372.3).
Genomic context (GRCh38, chr22:41,093,084, plus strand): 5'-AACCGGGGCCGCCTTCAGCCAAGCGGCCTAAACTCTCATCTCCGGCCCTCTCGGCGTCCG[C>T]CAGCGATGGCACAGGTTAGTTTCGGCAGCCCCGGCCTTCCACGTTCCCTTTAATCTTTTC-3'
Protein context (NP_001420.2, residues 17-37): KLSSPALSAS[Ala27Val]SDGTDFGSLF